The following is an entry in ClinVar:

ClinVar aggregate classification (germline): Uncertain significance (1 of 4 stars; one submission).

Conditions:
Epilepsy, familial adult myoclonic, 5 (EPEO5). Also called: CORTICAL MYOCLONIC TREMOR WITH EPILEPSY, FAMILIAL, 5. Identifiers: Orphanet 86814, MedGen C3809374, MONDO:0014167, OMIM 615400.

gnomAD v4.1: 2 of 1,614,222 alleles (0.00012%); highest among the groups gnomAD compares: Non-Finnish European, 0.00017%; no homozygotes.

Submission:

Labcorp Genetics (formerly Invitae), Labcorp
Classification: Uncertain significance for Epilepsy, familial adult myoclonic, 5. Last evaluated: 2024-02-24. Review status: criteria provided, single submitter. Criteria: Invitae Variant Classification Sherloc (09022015). Collection method: clinical testing. Allele origin: germline.
Comment: This sequence change replaces cysteine, which is neutral and slightly polar, with arginine, which is basic and polar, at codon 207 of the CNTN2 protein (p.Cys207Arg). This variant is not present in population databases (gnomAD no frequency). This variant has not been reported in the literature in individuals affected with CNTN2-related conditions. ClinVar contains an entry for this variant (Variation ID: 1391688). An algorithm developed to predict the effect of missense changes on protein structure and function (PolyPhen-2) suggests that this variant is likely to be disruptive. In summary, the available evidence is currently insufficient to determine the role of this variant in disease. Therefore, it has been classified as a Variant of Uncertain Significance.

NM_005076.5(CNTN2):c.619T>C (p.Cys207Arg)

Gene: CNTN2 (contactin 2; plus strand). Cytogenetic location: 1q32.1.
Variant type: single nucleotide variant.
Coding change: c.619T>C on transcript NM_005076.5 (MANE Select); coding-DNA position 619, T replaced by C.
Protein change: p.Cys207Arg; replaces cysteine 207 with arginine.
Molecular consequence: missense variant. On other transcripts: non-coding transcript variant (1).
Genome position (GRCh38, 1-based): chr1:205,059,215, T>C. VCF-style: chr1-205059215-T-C. GRCh37 (hg19) VCF-style: chr1-205028343-T-C.
Other names: c.619T>C, p.Cys207Arg (NM_001346083.2); short protein forms C207R.
Identifiers: ClinVar variation 1391688 (VCV001391688.6), dbSNP rs2151190177, ClinGen allele CA344406985.